The following is an entry in ClinVar:

NM_004304.5(ALK):c.1354G>A (p.Gly452Arg)

Gene: ALK (ALK receptor tyrosine kinase; minus strand). Cytogenetic location: 2p23.2.
Variant type: single nucleotide variant.
Coding change: c.1354G>A on transcript NM_004304.5 (MANE Select); coding-DNA position 1354, G replaced by A.
Protein change: p.Gly452Arg; replaces glycine 452 with arginine.
Molecular consequence: missense variant.
Genome position (GRCh38, 1-based): chr2:29,328,410, C>T on the plus strand (G>A on the coding strand, the complement: ALK is on the minus strand). VCF-style: chr2-29328410-C-T. GRCh37 (hg19) VCF-style: chr2-29551276-C-T.
Other names: short protein forms G452R.
Identifiers: ClinVar variation 3523211 (VCV003523211.1).

ClinVar aggregate classification (germline): Uncertain significance (1 of 4 stars; one submission).

Conditions:
Hereditary cancer-predisposing syndrome. Also called: Hereditary Cancer Syndrome; Hereditary neoplastic syndrome; Tumor predisposition; Neoplastic Syndromes, Hereditary. Identifiers: Orphanet 140162, MedGen C0027672, MeSH D009386, MONDO:0015356.

gnomAD v4.1: 1 of 1,614,206 alleles (0.000062%); no homozygotes.

Submission:

Ambry Genetics
Classification: Uncertain significance for Hereditary cancer-predisposing syndrome. Last evaluated: 2024-11-14. Review status: criteria provided, single submitter. Criteria: Ambry Variant Classification Scheme 2023. Collection method: clinical testing. Allele origin: germline.
Comment: The p.G452R variant (also known as c.1354G>A), located in coding exon 6 of the ALK gene, results from a G to A substitution at nucleotide position 1354. The glycine at codon 452 is replaced by arginine, an amino acid with dissimilar properties. This amino acid position is conserved. In addition, the in silico prediction for this alteration is inconclusive. Based on the available evidence, the clinical significance of this variant remains unclear.